The following is an entry in ClinVar:

ClinVar aggregate classification (germline): Uncertain significance (1 of 4 stars; one submission).

Submission:

CeGaT Center for Human Genetics Tuebingen
Classification: Uncertain significance. Last evaluated: 2022-08-01. Review status: criteria provided, single submitter. Criteria: CeGaT Center For Human Genetics Tuebingen Variant Classification Criteria Version 2. Collection method: clinical testing. Allele origin: germline. Affected: yes. Observed: 1 variant allele.
Comment: PITRM1: PM2, BP4

NM_014889.4(PITRM1):c.1598A>G (p.Asp533Gly)

Gene: PITRM1 (pitrilysin metallopeptidase 1; minus strand). Cytogenetic location: 10p15.2.
Variant type: single nucleotide variant.
Coding change: c.1598A>G on transcript NM_014889.4 (MANE Select); coding-DNA position 1598, A replaced by G.
Protein change: p.Asp533Gly; replaces aspartic acid 533 with glycine.
Molecular consequence: missense variant. On other transcripts: non-coding transcript variant (4).
Genome position (GRCh38, 1-based): chr10:3,155,614, T>C on the plus strand (A>G on the coding strand, the complement: PITRM1 is on the minus strand). VCF-style: chr10-3155614-T-C. GRCh37 (hg19) VCF-style: chr10-3197806-T-C.
Other names: c.1598A>G, p.Asp533Gly (NM_001242307.2, NM_001347725.2); c.1502A>G, p.Asp501Gly (NM_001242309.1); c.983A>G, p.Asp328Gly (NM_001347726.2, NM_001347727.2); c.293A>G, p.Asp98Gly (NM_001347728.2); c.1574A>G, p.Asp525Gly (NM_001347729.1, NM_001347730.1); short protein forms D328G, D501G, D525G, D533G, D98G.
Identifiers: ClinVar variation 2640282 (VCV002640282.24), dbSNP rs2491770225, ClinGen allele CA375874229.
Genomic context (GRCh38, chr10:3,155,614, plus strand): 5'-GGTTAGGGACTCGCCAGCTCGGAAGGAAGCCTCTGACCTTTCTCGTAGATCTGCTGCCTG[T>C]CTCCGGGGGACAGAGCCTCGACCTTCTGCTTGAGCTTCGTGGCTTCCACCTGTGCCTGCT-3'
Protein context (NP_055704.2, residues 523-543): KQKVEALSPG[Asp533Gly]RQQIYEKGLE